The following is an entry in ClinVar:

ClinVar aggregate classification (germline): Uncertain significance (1 of 4 stars; one submission).

Conditions:
Neuronopathy, distal hereditary motor, autosomal recessive 4. Also called: Autosomal recessive lower motor neuron disease with childhood onset; NEUROPATHY, DISTAL HEREDITARY MOTOR, AUTOSOMAL RECESSIVE 4. Identifiers: Orphanet 206580, MedGen C1970211, MONDO:0012608, OMIM 611067.
Charcot-Marie-Tooth disease recessive intermediate C. Also called: CHARCOT-MARIE-TOOTH NEUROPATHY, RECESSIVE INTERMEDIATE C. Identifiers: Orphanet 369867, MedGen C3809309, MONDO:0014154, OMIM 615376.

Submission:

Labcorp Genetics (formerly Invitae), Labcorp
Classification: Uncertain significance for Neuronopathy, distal hereditary motor, autosomal recessive 4; Charcot-Marie-Tooth disease recessive intermediate C. Last evaluated: 2021-06-17. Review status: criteria provided, single submitter. Criteria: Invitae Variant Classification Sherloc (09022015). Collection method: clinical testing. Allele origin: germline.
Comment: This sequence change replaces histidine with tyrosine at codon 2 of the PLEKHG5 protein (p.His2Tyr). The histidine residue is moderately conserved and there is a moderate physicochemical difference between histidine and tyrosine. This variant is not present in population databases (ExAC no frequency). This variant has not been reported in the literature in individuals with PLEKHG5-related conditions. Algorithms developed to predict the effect of missense changes on protein structure and function are either unavailable or do not agree on the potential impact of this missense change (SIFT: "Deleterious"; PolyPhen-2: "Possibly Damaging"; Align-GVGD: "Class C0"). In summary, the available evidence is currently insufficient to determine the role of this variant in disease. Therefore, it has been classified as a Variant of Uncertain Significance.

NM_020631.6(PLEKHG5):c.4C>T (p.His2Tyr)

Genes: PLEKHG5 (pleckstrin homology and RhoGEF domain containing G5; minus strand), LOC126805598 (MED14-independent group 3 enhancer GRCh37_chr1:6536823-6538022; plus strand). Cytogenetic location: 1p36.31.
Variant type: single nucleotide variant.
Coding change: c.4C>T on transcript NM_020631.6 (MANE Select); coding-DNA position 4, C replaced by T.
Protein change: p.His2Tyr; replaces histidine 2 with tyrosine.
Molecular consequence: missense variant.
Genome position (GRCh38, 1-based): chr1:6,477,568, G>A on the plus strand (C>T on the coding strand, the complement: PLEKHG5 is on the minus strand). VCF-style: chr1-6477568-G-A. GRCh37 (hg19) VCF-style: chr1-6537628-G-A.
Other names: c.115C>T, p.His39Tyr (NM_001042663.3, NM_001265592.2); c.4C>T, p.His2Tyr (NM_001042664.2, NM_001042665.2, NM_001265594.3 and 1 more transcripts); c.211C>T, p.His71Tyr (NM_001265593.2); short protein forms H39Y, H2Y, H71Y.
Identifiers: ClinVar variation 1361964 (VCV001361964.8), dbSNP rs2148598223, ClinGen allele CA338142070.